The following is an entry in ClinVar:

NM_003628.6(PKP4):c.1889A>T (p.Glu630Val)

Gene: PKP4 (plakophilin 4; plus strand). Cytogenetic location: 2q24.1.
Variant type: single nucleotide variant.
Coding change: c.1889A>T on transcript NM_003628.6 (MANE Select); coding-DNA position 1889, A replaced by T.
Protein change: p.Glu630Val; replaces glutamic acid 630 with valine.
Molecular consequence: missense variant.
Genome position (GRCh38, 1-based): chr2:158,642,679, A>T. VCF-style: chr2-158642679-A-T. GRCh37 (hg19) VCF-style: chr2-159499191-A-T.
Other names: c.1886A>T, p.Glu629Val (NM_001377226.1, NM_001304969.3, NM_001377219.1 and 2 more transcripts); c.1889A>T, p.Glu630Val (NM_001005476.4, NM_001304971.2, NM_001377218.1 and 1 more transcripts); c.860A>T, p.Glu287Val (NM_001304970.3); c.1883A>T, p.Glu628Val (NM_001377222.1, NM_001377223.1); c.1880A>T, p.Glu627Val (NM_001377224.1); short protein forms E627V, E628V, E629V, E630V, E287V.
Identifiers: ClinVar variation 4138164 (VCV004138164.1).

ClinVar aggregate classification (germline): Uncertain significance (1 of 4 stars; one submission).

Submission:

Ambry Genetics
Classification: Uncertain significance. Last evaluated: 2025-08-31. Review status: criteria provided, single submitter. Criteria: Ambry Variant Classification Scheme 2023. Collection method: clinical testing. Allele origin: germline.
Comment: The p.E630V variant (also known as c.1889A>T), located in coding exon 10 of the PKP4 gene, results from an A to T substitution at nucleotide position 1889. The glutamic acid at codon 630 is replaced by valine, an amino acid with dissimilar properties. This amino acid position is conserved. In addition, this alteration is predicted to be deleterious by in silico analysis. Based on the available evidence, the clinical significance of this variant remains unclear.